The following is an entry in ClinVar:

NM_006486.3(FBLN1):c.321+6A>G

Gene: FBLN1 (fibulin 1; plus strand). Cytogenetic location: 22q13.31.
Variant type: single nucleotide variant.
Coding change: c.321+6A>G on transcript NM_006486.3 (MANE Select); 6 bases into the intron after coding-DNA position 321, A replaced by G.
Molecular consequence: intron variant.
Genome position (GRCh38, 1-based): chr22:45,525,684, A>G. VCF-style: chr22-45525684-A-G. GRCh37 (hg19) VCF-style: chr22-45921564-A-G.
Other names: c.321+6A>G (NM_006485.4, NM_001996.4, NM_006487.3).
Identifiers: ClinVar variation 2653288 (VCV002653288.24), dbSNP rs778380062, ClinGen allele CA10286518.

ClinVar aggregate classification (germline): Likely benign (1 of 4 stars; one submission).

Allele frequency attached by ClinVar (database versions not stated): gnomAD 0.00001; TOPMed 0.00001; gnomAD exomes 0.00003; ExAC 0.00020.
gnomAD v4.1: 40 of 1,551,280 alleles (0.0026%); highest among the groups gnomAD compares: Middle Eastern, 0.18%; 1 homozygote.

Submission:

CeGaT Center for Human Genetics Tuebingen
Classification: Likely benign. Last evaluated: 2023-09-01. Review status: criteria provided, single submitter. Criteria: CeGaT Center For Human Genetics Tuebingen Variant Classification Criteria Version 2. Collection method: clinical testing. Allele origin: germline. Affected: yes. Observed: 1 variant allele.
Comment: FBLN1: BP4, BS2